The following is an entry in ClinVar:

NM_144670.6(A2ML1):c.4088A>G (p.Asn1363Ser)

Gene: A2ML1 (alpha-2-macroglobulin like 1; plus strand). Cytogenetic location: 12p13.31.
Variant type: single nucleotide variant.
Coding change: c.4088A>G on transcript NM_144670.6 (MANE Select); coding-DNA position 4088, A replaced by G.
Protein change: p.Asn1363Ser; replaces asparagine 1363 with serine.
Molecular consequence: missense variant.
Genome position (GRCh38, 1-based): chr12:8,868,563, A>G. VCF-style: chr12-8868563-A-G. GRCh37 (hg19) VCF-style: chr12-9021159-A-G.
Other names: c.2615A>G, p.Asn872Ser (NM_001282424.3); short protein forms N1363S, N872S.
Identifiers: ClinVar variation 1705224 (VCV001705224.2), dbSNP rs1944509283, ClinGen allele CA383812887.
Genomic context (GRCh38, chr12:8,868,563, plus strand): 5'-AGGCTCACATGTGTTTTCTTCTTCCTGCTCTCAGTTATGTGGGGAGCCGTAGCTCTTCCA[A>G]TATGGCTATTGTGGAAGTGAAGATGCTATCTGGGTTCAGTCCCATGGAGGGCACCAATCA-3'
Protein context (NP_653271.3, residues 1353-1373): TSYVGSRSSS[Asn1363Ser]MAIVEVKMLS

ClinVar aggregate classification (germline): Uncertain significance (1 of 4 stars; one submission).

Submission:

Women's Health and Genetics/Laboratory Corporation of America, LabCorp
Classification: Uncertain significance. Last evaluated: 2023-05-01. Review status: criteria provided, single submitter. Criteria: LabCorp Variant Classification Summary - May 2015. Collection method: clinical testing. Allele origin: germline.
Comment: Variant summary: A2ML1 c.4088A>G (p.Asn1363Ser) results in a conservative amino acid change located in the alpha-macroglobulin, receptor-binding domain (IPR009048) of the encoded protein sequence. Three of five in-silico tools predict a damaging effect of the variant on protein function. The variant was absent in 249386 control chromosomes (gnomAD). The available data on variant occurrences in the general population are insufficient to allow any conclusion about variant significance. To our knowledge, no occurrence of c.4088A>G in individuals affected with Noonan Syndrome and no experimental evidence demonstrating its impact on protein function have been reported. No clinical diagnostic laboratories have submitted clinical-significance assessments for this variant to ClinVar after 2014. Based on the evidence outlined above, the variant was classified as uncertain significance.